The following is an entry in ClinVar:

ClinVar aggregate classification (germline): Uncertain significance. Review status: criteria provided, multiple submitters, no conflicts (2 of 4 stars). 2 submissions from 2 submitters: Uncertain significance (2). Last evaluated 2026-01-08.

Conditions:
TYK2-related disorder. Also called: TYK2-related condition.
Immunodeficiency 35 (IMD35). Also called: TYK2 DEFICIENCY; HYPER-IgE SYNDROME WITH ATYPICAL MYCOBACTERIOSIS, AUTOSOMAL RECESSIVE; Susceptibility to infection due to TYK2 deficiency; HIES WITH ATYPICAL MYCOBACTERIOSIS, AUTOSOMAL RECESSIVE. Identifiers: Orphanet 331226, MedGen C1969086, MONDO:0012682, OMIM 611521.

Allele frequency attached by ClinVar (database versions not stated): ExAC 0.00002; gnomAD exomes 0.00002 and 0.00011; gnomAD 0.00003; TOPMed 0.00006; ESP Exome Variant Server 0.00008.
gnomAD v4.1: 156 of 1,614,026 alleles (0.0097%); highest among the groups gnomAD compares: Non-Finnish European, 0.013%; no homozygotes.

Submissions (2):

Labcorp Genetics (formerly Invitae), Labcorp
Classification: Uncertain significance for Immunodeficiency 35. Last evaluated: 2026-01-08. Review status: criteria provided, single submitter. Criteria: Invitae Variant Classification Sherloc (09022015). Collection method: clinical testing. Allele origin: germline.
Comment: This sequence change replaces proline, which is neutral and non-polar, with leucine, which is neutral and non-polar, at codon 146 of the TYK2 protein (p.Pro146Leu). This variant is present in population databases (rs137904701, gnomAD 0.004%). This variant has not been reported in the literature in individuals affected with TYK2-related conditions. ClinVar contains an entry for this variant (Variation ID: 648186). An algorithm developed to predict the effect of missense changes on protein structure and function (PolyPhen-2) suggests that this variant is likely to be tolerated. In summary, the available evidence is currently insufficient to determine the role of this variant in disease. Therefore, it has been classified as a Variant of Uncertain Significance.

PreventionGenetics, part of Exact Sciences
Classification: Uncertain significance for TYK2-related condition. Last evaluated: 2022-11-07. Review status: criteria provided, single submitter. Criteria: ACMG Guidelines, 2015. Collection method: clinical testing. Allele origin: germline.
Comment: The TYK2 c.437C>T variant is predicted to result in the amino acid substitution p.Pro146Leu. To our knowledge, this variant has not been reported in the literature. This variant is reported in 0.0035% of alleles in individuals of European (Non-Finnish) descent in gnomAD. At this time, the clinical significance of this variant is uncertain due to the absence of conclusive functional and genetic evidence.

NM_003331.5(TYK2):c.437C>T (p.Pro146Leu)

Gene: TYK2 (tyrosine kinase 2; minus strand). Cytogenetic location: 19p13.2.
Variant type: single nucleotide variant.
Coding change: c.437C>T on transcript NM_003331.5 (MANE Select); coding-DNA position 437, C replaced by T.
Protein change: p.Pro146Leu; replaces proline 146 with leucine.
Molecular consequence: missense variant.
Genome position (GRCh38, 1-based): chr19:10,368,083, G>A on the plus strand (C>T on the coding strand, the complement: TYK2 is on the minus strand). VCF-style: chr19-10368083-G-A. GRCh37 (hg19) VCF-style: chr19-10478759-G-A.
Other names: c.437C>T (LRG_121t1); short protein forms P146L.
Identifiers: ClinVar variation 648186 (VCV000648186.7), dbSNP rs137904701, ClinGen allele CA9193743.